The following is an entry in ClinVar:

NM_001271696.3(ABCB7):c.1981A>G (p.Ile661Val)

Gene: ABCB7 (ATP binding cassette subfamily B member 7; minus strand). Cytogenetic location: Xq13.3.
Variant type: single nucleotide variant.
Coding change: c.1981A>G on transcript NM_001271696.3 (MANE Select); coding-DNA position 1981, A replaced by G.
Protein change: p.Ile661Val; replaces isoleucine 661 with valine.
Molecular consequence: missense variant.
Genome position (GRCh38, 1-based): chrX:75,060,285, T>C on the plus strand (A>G on the coding strand, the complement: ABCB7 is on the minus strand). VCF-style: chrX-75060285-T-C. GRCh37 (hg19) VCF-style: chrX-74280120-T-C.
Other names: c.1861A>G, p.Ile621Val (NM_001271697.3); c.1903A>G, p.Ile635Val (NM_001271698.3); c.1864A>G, p.Ile622Val (NM_001271699.3); c.1984A>G, p.Ile662Val (NM_004299.6); short protein forms I622V, I621V, I635V, I661V, I662V.
Identifiers: ClinVar variation 3682999 (VCV003682999.2).

ClinVar aggregate classification (germline): Uncertain significance (1 of 4 stars; one submission).

gnomAD v4.1: 2 of 1,211,131 alleles (0.00017%); highest among the groups gnomAD compares: Non-Finnish European, 0.00022%; no homozygotes.

Submission:

Labcorp Genetics (formerly Invitae), Labcorp
Classification: Uncertain significance. Last evaluated: 2024-02-20. Review status: criteria provided, single submitter. Criteria: Invitae Variant Classification Sherloc (09022015). Collection method: clinical testing. Allele origin: germline.
Comment: This sequence change replaces isoleucine, which is neutral and non-polar, with valine, which is neutral and non-polar, at codon 662 of the ABCB7 protein (p.Ile662Val). This variant is not present in population databases (gnomAD no frequency). This variant has not been reported in the literature in individuals affected with ABCB7-related conditions. Algorithms developed to predict the effect of missense changes on protein structure and function output the following: SIFT: "Not Available"; PolyPhen-2: "Benign"; Align-GVGD: "Not Available". The valine amino acid residue is found in multiple mammalian species, which suggests that this missense change does not adversely affect protein function. In summary, the available evidence is currently insufficient to determine the role of this variant in disease. Therefore, it has been classified as a Variant of Uncertain Significance.